The following is an entry in ClinVar:

ClinVar aggregate classification (germline): Uncertain significance (1 of 4 stars; one submission).

Conditions:
Epidermodysplasia verruciformis. Identifiers: Orphanet 302, MedGen C0014522, MONDO:0009176.

Allele frequency attached by ClinVar (database versions not stated): TOPMed below 0.00001; gnomAD exomes 0.00001.
gnomAD v4.1: 3 of 1,613,360 alleles (0.00019%); highest among the groups gnomAD compares: East Asian, 0.0022%; no homozygotes.

Submission:

Labcorp Genetics (formerly Invitae), Labcorp
Classification: Uncertain significance for Epidermodysplasia verruciformis. Last evaluated: 2021-04-05. Review status: criteria provided, single submitter. Criteria: Invitae Variant Classification Sherloc (09022015). Collection method: clinical testing. Allele origin: germline.
Comment: This variant is not present in population databases (ExAC no frequency). This variant has not been reported in the literature in individuals with TMC6-related conditions. Algorithms developed to predict the effect of missense changes on protein structure and function are either unavailable or do not agree on the potential impact of this missense change (SIFT: "Not Available"; PolyPhen-2: "Benign"; Align-GVGD: "Not Available"). In summary, the available evidence is currently insufficient to determine the role of this variant in disease. Therefore, it has been classified as a Variant of Uncertain Significance. This sequence change replaces serine with tyrosine at codon 501 of the TMC6 protein (p.Ser501Tyr). The serine residue is moderately conserved and there is a large physicochemical difference between serine and tyrosine.

NM_001127198.5(TMC6):c.1502C>A (p.Ser501Tyr)

Gene: TMC6 (transmembrane channel like 6; minus strand). Cytogenetic location: 17q25.3.
Variant type: single nucleotide variant.
Coding change: c.1502C>A on transcript NM_001127198.5 (MANE Select); coding-DNA position 1502, C replaced by A.
Protein change: p.Ser501Tyr; replaces serine 501 with tyrosine.
Molecular consequence: missense variant. On other transcripts: non-coding transcript variant (4).
Genome position (GRCh38, 1-based): chr17:78,121,046, G>T on the plus strand (C>A on the coding strand, the complement: TMC6 is on the minus strand). VCF-style: chr17-78121046-G-T. GRCh37 (hg19) VCF-style: chr17-76117127-G-T.
Other names: c.1502C>A, p.Ser501Tyr (NM_001321185.1, NM_001374593.1, NM_001374594.1 and 4 more transcripts); short protein forms S501Y.
Identifiers: ClinVar variation 1423827 (VCV001423827.6), dbSNP rs749573628, ClinGen allele CA401228102.